The following is an entry in ClinVar:

NM_005629.4(SLC6A8):c.585G>A (p.Leu195=)

Gene: SLC6A8 (solute carrier family 6 member 8; plus strand). Cytogenetic location: Xq28.
Variant type: single nucleotide variant.
Coding change: c.585G>A on transcript NM_005629.4 (MANE Select); coding-DNA position 585, G replaced by A.
Protein change: p.Leu195=; no amino-acid change (leucine 195 retained).
Molecular consequence: synonymous variant.
Genome position (GRCh38, 1-based): chrX:153,691,494, G>A. VCF-style: chrX-153691494-G-A. GRCh37 (hg19) VCF-style: chrX-152956949-G-A.
Other names: c.585G>A, p.Leu195= (NM_001142805.2); c.240G>A, p.Leu80= (NM_001142806.1).
Identifiers: ClinVar variation 3364928 (VCV003364928.1).
Genomic context (GRCh38, chrX:153,691,494, plus strand): 5'-CTGGAACACTCCCGACTGCGTGGAGATCTTCCGCCATGAAGACTGTGCCAATGCCAGCCT[G>A]GCCAACCTCACCTGTGACCAGCTTGCTGACCGCCGGTCCCCTGTCATCGAGTTCTGGGAG-3'
Protein context (NP_005620.1, residues 185-205): FRHEDCANAS[Leu195=]ANLTCDQLAD

ClinVar aggregate classification (germline): Uncertain significance (1 of 4 stars; one submission).

gnomAD v4.1: 1 of 1,211,867 alleles (0.000083%); highest among the groups gnomAD compares: Admixed American, 0.0022%; no homozygotes.

Submission:

GeneDx
Classification: Uncertain significance. Last evaluated: 2023-12-04. Review status: criteria provided, single submitter. Criteria: GeneDx Variant Classification Process June 2021. Collection method: clinical testing. Allele origin: germline. Affected: yes.
Comment: Not observed at significant frequency in large population cohorts (gnomAD); In silico analysis supports that this variant does not alter splicing; Has not been previously published as pathogenic or benign to our knowledge